The following is an entry in ClinVar:

ClinVar aggregate classification (germline): Likely benign. Review status: criteria provided, multiple submitters, no conflicts (2 of 4 stars). 4 submissions from 4 submitters: Likely benign (2). 2 of the submissions do not count toward it. Last evaluated 2026-02-04.

Conditions:
MAN2B1-related disorder. Also called: MAN2B1-related condition.
Deficiency of alpha-mannosidase (MANSA). Also called: Alpha-Mannosidosis; Mannosidosis, alpha-, types I and II; LYSOSOMAL ALPHA-D-MANNOSIDASE DEFICIENCY. Identifiers: Orphanet 61, MedGen C0024748, MONDO:0009561, OMIM 248500.

Allele frequency attached by ClinVar (database versions not stated): ESP Exome Variant Server 0.00146; 1000 Genomes Project 0.00160; TOPMed 0.00173; gnomAD 0.00175; 1000 Genomes Project 30x 0.00203.
gnomAD v4.1: 433 of 1,613,524 alleles (0.027%); highest among the groups gnomAD compares: African/African-American, 0.52%; 2 homozygotes.

Submissions (4):

Labcorp Genetics (formerly Invitae), Labcorp
Classification: Likely benign for Deficiency of alpha-mannosidase. Last evaluated: 2026-02-04. Review status: criteria provided, single submitter. Criteria: Invitae Variant Classification Sherloc (09022015). Collection method: clinical testing. Allele origin: germline.

Blueprint Genetics
Classification: Likely benign. Last evaluated: 2024-07-29. Review status: criteria provided, single submitter. Criteria: ACMG Guidelines, 2015. Collection method: clinical testing. Allele origin: germline.

PreventionGenetics, part of Exact Sciences
Classification: Likely benign for MAN2B1-related condition. Last evaluated: 2022-02-23. Review status: no assertion criteria provided. Collection method: clinical testing. Allele origin: germline. Not counted in ClinVar's aggregate classification.
Comment: This variant is classified as likely benign based on ACMG/AMP sequence variant interpretation guidelines (Richards et al. 2015 PMID: 25741868, with internal and published modifications).

Natera, Inc.
Classification: Benign for Alpha-mannosidosis. Last evaluated: 2019-11-11. Review status: no assertion criteria provided. Collection method: clinical testing. Allele origin: germline. Not counted in ClinVar's aggregate classification.

NM_000528.4(MAN2B1):c.609G>T (p.Glu203Asp)

Gene: MAN2B1 (mannosidase alpha class 2B member 1; minus strand). Cytogenetic location: 19p13.13.
Variant type: single nucleotide variant.
Coding change: c.609G>T on transcript NM_000528.4 (MANE Select); coding-DNA position 609, G replaced by T.
Protein change: p.Glu203Asp; replaces glutamic acid 203 with aspartic acid.
Molecular consequence: missense variant.
Genome position (GRCh38, 1-based): chr19:12,664,813, C>A on the plus strand (G>T on the coding strand, the complement: MAN2B1 is on the minus strand). VCF-style: chr19-12664813-C-A. GRCh37 (hg19) VCF-style: chr19-12775627-C-A.
Other names: c.609G>T, p.Glu203Asp (NM_001173498.2); short protein forms E203D.
Identifiers: ClinVar variation 789112 (VCV000789112.18), dbSNP rs139290127, ClinGen allele CA9226770.